The following is an entry in ClinVar:

NM_000937.5(POLR2A):c.5644T>C (p.Ser1882Pro)

Gene: POLR2A (RNA polymerase II subunit A; plus strand). Cytogenetic location: 17p13.1.
Variant type: single nucleotide variant.
Coding change: c.5644T>C on transcript NM_000937.5 (MANE Select); coding-DNA position 5644, T replaced by C.
Protein change: p.Ser1882Pro; replaces serine 1882 with proline.
Molecular consequence: missense variant.
Genome position (GRCh38, 1-based): chr17:7,513,910, T>C. VCF-style: chr17-7513910-T-C. GRCh37 (hg19) VCF-style: chr17-7417227-T-C.
Other names: short protein forms S1882P.
Identifiers: ClinVar variation 3375993 (VCV003375993.1).
Genomic context (GRCh38, chr17:7,513,910, plus strand): 5'-CCTACCAGTCCCAAATATTCACCCACCTCTCCCAAGTACTCGCCTACCAGTCCCACCTAT[T>C]CACCCACCACCCCAAAATACTCCCCAACATCTCCTACTTATTCCCCAACCTCTCCAGTCT-3'
Protein context (NP_000928.1, residues 1872-1892): PKYSPTSPTY[Ser1882Pro]PTTPKYSPTS

ClinVar aggregate classification (germline): Uncertain significance (1 of 4 stars; one submission).

Submission:

GeneDx
Classification: Uncertain significance. Last evaluated: 2024-05-02. Review status: criteria provided, single submitter. Criteria: GeneDx Variant Classification Process June 2021. Collection method: clinical testing. Allele origin: germline. Affected: yes.
Comment: Not observed at significant frequency in large population cohorts (gnomAD); In silico analysis indicates that this missense variant does not alter protein structure/function; Has not been previously published as pathogenic or benign to our knowledge